The following is an entry in ClinVar:

NM_030665.4(RAI1):c.367G>C (p.Ala123Pro)

Gene: RAI1 (retinoic acid induced 1; plus strand). Cytogenetic location: 17p11.2.
Variant type: single nucleotide variant.
Coding change: c.367G>C on transcript NM_030665.4 (MANE Select); coding-DNA position 367, G replaced by C.
Protein change: p.Ala123Pro; replaces alanine 123 with proline.
Molecular consequence: missense variant.
Genome position (GRCh38, 1-based): chr17:17,793,315, G>C. VCF-style: chr17-17793315-G-C. GRCh37 (hg19) VCF-style: chr17-17696629-G-C.
Other names: c.367G>C (NM_030665.3); short protein forms A123P.
Identifiers: ClinVar variation 1968916 (VCV001968916.7), dbSNP rs952492764, ClinGen allele CA398545310.

ClinVar aggregate classification (germline): Uncertain significance. Review status: criteria provided, multiple submitters, no conflicts (2 of 4 stars). 2 submissions from 2 submitters: Uncertain significance (2). Last evaluated 2023-08-04.

Conditions:
Inborn genetic diseases. Identifiers: MedGen C0950123, MeSH D030342.

gnomAD v4.1: 7 of 1,612,284 alleles (0.00043%); highest among the groups gnomAD compares: East Asian, 0.0067%; no homozygotes.

Submissions (2):

Labcorp Genetics (formerly Invitae), Labcorp
Classification: Uncertain significance. Last evaluated: 2023-08-04. Review status: criteria provided, single submitter. Criteria: Invitae Variant Classification Sherloc (09022015). Collection method: clinical testing. Allele origin: germline.
Comment: This sequence change replaces alanine, which is neutral and non-polar, with proline, which is neutral and non-polar, at codon 123 of the RAI1 protein (p.Ala123Pro). This variant is present in population databases (no rsID available, gnomAD 0.006%). This variant has not been reported in the literature in individuals affected with RAI1-related conditions. ClinVar contains an entry for this variant (Variation ID: 1968916). Advanced modeling of protein sequence and biophysical properties (such as structural, functional, and spatial information, amino acid conservation, physicochemical variation, residue mobility, and thermodynamic stability) performed at Invitae indicates that this missense variant is not expected to disrupt RAI1 protein function. In summary, the available evidence is currently insufficient to determine the role of this variant in disease. Therefore, it has been classified as a Variant of Uncertain Significance.

Ambry Genetics
Classification: Uncertain significance for Inborn genetic diseases. Last evaluated: 2023-02-28. Review status: criteria provided, single submitter. Criteria: Ambry Variant Classification Scheme 2023. Collection method: clinical testing. Allele origin: germline.